The following is an entry in ClinVar:

NM_005591.4(MRE11):c.1002C>T (p.Ser334=)

Gene: MRE11 (MRE11 double strand break repair nuclease; minus strand). Cytogenetic location: 11q21.
Variant type: single nucleotide variant.
Coding change: c.1002C>T on transcript NM_005591.4 (MANE Select); coding-DNA position 1002, C replaced by T.
Protein change: p.Ser334=; no amino-acid change (serine 334 retained).
Molecular consequence: synonymous variant.
Genome position (GRCh38, 1-based): chr11:94,470,486, G>A on the plus strand (C>T on the coding strand, the complement: MRE11 is on the minus strand). VCF-style: chr11-94470486-G-A. GRCh37 (hg19) VCF-style: chr11-94203652-G-A.
Other names: c.1002C>T, p.Ser334= (NM_001330347.2, NM_005590.4).
Identifiers: ClinVar variation 481763 (VCV000481763.16), dbSNP rs115244417, ClinGen allele CA476283688.

ClinVar aggregate classification (germline): Likely benign. Review status: criteria provided, multiple submitters, no conflicts (2 of 4 stars). 3 submissions from 3 submitters: Likely benign (2). 1 of the submissions does not count toward it. Last evaluated 2025-03-15.

Conditions:
Ataxia-telangiectasia-like disorder (ATLD). Identifiers: MedGen C1858391, MONDO:0011457.
Hereditary cancer-predisposing syndrome. Also called: Neoplastic Syndromes, Hereditary; Tumor predisposition; Hereditary Cancer Syndrome; Hereditary neoplastic syndrome. Identifiers: Orphanet 140162, MedGen C0027672, MeSH D009386, MONDO:0015356.
MRE11-related disorder. Also called: MRE11-related condition.

Allele frequency attached by ClinVar (database versions not stated): TOPMed 0.00001.
gnomAD v4.1: 2 of 1,612,816 alleles (0.00012%); highest among the groups gnomAD compares: African/African-American, 0.0013%; no homozygotes.

Submissions (3):

Labcorp Genetics (formerly Invitae), Labcorp
Classification: Likely benign for Ataxia-telangiectasia-like disorder. Last evaluated: 2025-03-15. Review status: criteria provided, single submitter. Criteria: Invitae Variant Classification Sherloc (09022015). Collection method: clinical testing. Allele origin: germline.

Ambry Genetics
Classification: Likely benign for Hereditary cancer-predisposing syndrome. Last evaluated: 2016-08-29. Review status: criteria provided, single submitter. Criteria: Ambry Variant Classification Scheme 2023. Collection method: clinical testing. Allele origin: germline.

PreventionGenetics, part of Exact Sciences
Classification: Likely benign for MRE11-related condition. Last evaluated: 2022-03-23. Review status: no assertion criteria provided. Collection method: clinical testing. Allele origin: germline. Not counted in ClinVar's aggregate classification.
Comment: This variant is classified as likely benign based on ACMG/AMP sequence variant interpretation guidelines (Richards et al. 2015 PMID: 25741868, with internal and published modifications).